The following is an entry in ClinVar:

ClinVar aggregate classification (germline): Uncertain significance (1 of 4 stars; one submission).

Submission:

Labcorp Genetics (formerly Invitae), Labcorp
Classification: Uncertain significance. Last evaluated: 2023-03-24. Review status: criteria provided, single submitter. Criteria: Invitae Variant Classification Sherloc (09022015). Collection method: clinical testing. Allele origin: germline.
Comment: This sequence change replaces valine, which is neutral and non-polar, with leucine, which is neutral and non-polar, at codon 172 of the SIAE protein (p.Val172Leu). This variant is not present in population databases (gnomAD no frequency). This variant has not been reported in the literature in individuals affected with SIAE-related conditions. Algorithms developed to predict the effect of missense changes on protein structure and function output the following: SIFT: "Not Available"; PolyPhen-2: "Benign"; Align-GVGD: "Not Available". The leucine amino acid residue is found in multiple mammalian species, which suggests that this missense change does not adversely affect protein function. In summary, the available evidence is currently insufficient to determine the role of this variant in disease. Therefore, it has been classified as a Variant of Uncertain Significance.

NM_170601.5(SIAE):c.514G>C (p.Val172Leu)

Gene: SIAE (sialic acid acetylesterase; minus strand). Cytogenetic location: 11q24.2.
Variant type: single nucleotide variant.
Coding change: c.514G>C on transcript NM_170601.5 (MANE Select); coding-DNA position 514, G replaced by C.
Protein change: p.Val172Leu; replaces valine 172 with leucine.
Molecular consequence: missense variant.
Genome position (GRCh38, 1-based): chr11:124,654,685, C>G on the plus strand (G>C on the coding strand, the complement: SIAE is on the minus strand). VCF-style: chr11-124654685-C-G. GRCh37 (hg19) VCF-style: chr11-124524581-C-G.
Other names: c.409G>C, p.Val137Leu (NM_001199922.2); short protein forms V172L, V137L.
Identifiers: ClinVar variation 2849120 (VCV002849120.3), dbSNP rs2496918447, ClinGen allele CA383153401.